The following is an entry in ClinVar:

NM_000089.4(COL1A2):c.2314G>C (p.Gly772Arg)

Gene: COL1A2 (collagen type I alpha 2 chain; plus strand). Cytogenetic location: 7q21.3.
Variant type: single nucleotide variant.
Coding change: c.2314G>C on transcript NM_000089.4 (MANE Select); coding-DNA position 2314, G replaced by C.
Protein change: p.Gly772Arg; replaces glycine 772 with arginine.
Molecular consequence: missense variant.
Genome position (GRCh38, 1-based): chr7:94,421,027, G>C. VCF-style: chr7-94421027-G-C. GRCh37 (hg19) VCF-style: chr7-94050339-G-C.
Other names: short protein forms G772R.
Identifiers: ClinVar variation 1468991 (VCV001468991.9), dbSNP rs72658185, ClinGen allele CA368223686.

ClinVar aggregate classification (germline): Pathogenic/Likely pathogenic. Review status: criteria provided, multiple submitters, no conflicts (2 of 4 stars). 3 submissions from 3 submitters: Pathogenic (1); Likely pathogenic (1). 1 of the submissions does not count toward it. Last evaluated 2025-07-16.

Conditions:
Osteogenesis imperfecta type III (OI3). Also called: Osteogenesis imperfecta type 3; OI type 3; Osteogenesis imperfecta, progressively deforming with normal sclerae; OI type III; Progressively Deforming Osteogenesis Imperfecta. Identifiers: Orphanet 216812, Orphanet 666, MedGen C0268362, MONDO:0009804, OMIM 259420.
Osteogenesis imperfecta with normal sclerae, dominant form (OI4). Also called: OSTEOGENESIS IMPERFECTA, TYPE IV, WITH DENTINOGENESIS IMPERFECTA; OSTEOGENESIS IMPERFECTA WITH NORMAL SCLERAE; Osteogenesis imperfecta type 4; Osteogenesis Imperfecta Type IV; Common Variable Osteogenesis Imperfecta with Normal Sclerae. Identifiers: Orphanet 216820, Orphanet 666, MedGen C0268363, MONDO:0008148, OMIM 166220.
Ehlers-Danlos syndrome, classic type, 1 (EDSCL1). Also called: EHLERS-DANLOS SYNDROME, GRAVIS TYPE; EHLERS-DANLOS SYNDROME, SEVERE CLASSIC TYPE; Ehlers-Danlos syndrome, type 1; Ehlers-Danlos Syndrome, Classic Type, COL5A1-Related; EDS I. Identifiers: MedGen C0268335, MONDO:0019567, OMIM 130000.
Osteogenesis imperfecta type I (OI1). Also called: OI, TYPE I; OSTEOGENESIS IMPERFECTA TARDA; OSTEOGENESIS IMPERFECTA WITH BLUE SCLERAE; Osteogenesis imperfecta type 1; Lobstein's Disease; Lobstein disease. Identifiers: Orphanet 216796, Orphanet 666, MedGen C0023931, MONDO:0008146, OMIM 166200. Disease mechanism: loss of function.

Submissions (3):

Clinical Biomedical Laboratory, Shriners Hospital For Children - Canada
Classification: Pathogenic for Osteogenesis imperfecta with normal sclerae, dominant form. Last evaluated: 2025-07-16. Review status: criteria provided, single submitter. Criteria: ACMG Guidelines, 2015. Collection method: clinical testing. Allele origin: germline. Affected: yes.
Comment: This variant is predicted to substitute a glycine residue by an arginine residue in the triple helical domain of the collagen type I alpha 2 chain. This variant is absent from the Genome Aggregation Database (v2.1.1). Computational tools (REVEL: 0.954) suggest that the amino acid change is damaging to protein function. Glycine substitutions in the triple helical domain of collagen type I alpha 2 chain cause disruption in the formation of the triple helix in the collagen type I molecule and are a typical cause of osteogenesis imperfecta (PMID 27509835).

Labcorp Genetics (formerly Invitae), Labcorp
Classification: Likely pathogenic for Osteogenesis imperfecta type I; Ehlers-Danlos syndrome, classic type, 1. Last evaluated: 2021-11-01. Review status: criteria provided, single submitter. Criteria: Invitae Variant Classification Sherloc (09022015). Collection method: clinical testing. Allele origin: germline.
Comment: In summary, the currently available evidence indicates that the variant is pathogenic, but additional data are needed to prove that conclusively. Therefore, this variant has been classified as Likely Pathogenic. This variant disrupts the p.Gly772 amino acid residue in COL1A2. Other variant(s) that disrupt this residue have been observed in individuals with COL1A2-related conditions (PMID: 9272740, 17078022, 23934635; Invitae), which suggests that this may be a clinically significant amino acid residue. This variant disrupts the triple helix domain of COL1A2. Glycine residues within the Gly-Xaa-Yaa repeats of the triple helix domain are required for the structure and stability of fibrillar collagens (PMID: 7695699, 8218237, 19344236). In COL1A2, variants affecting these glycine residues are significantly enriched in individuals with disease (PMID: 9016532, 17078022) compared to the general population (ExAC). Advanced modeling of protein sequence and biophysical properties (such as structural, functional, and spatial information, amino acid conservation, physicochemical variation, residue mobility, and thermodynamic stability) performed at Invitae indicates that this missense variant is expected to disrupt COL1A2 protein function. This missense change has been observed in individual(s) with clinical features of autosomal dominant osteogenesis imperfecta (PMID: 31794058; Invitae). This variant is not present in population databases (gnomAD no frequency). This sequence change replaces glycine, which is neutral and non-polar, with arginine, which is basic and polar, at codon 772 of the COL1A2 protein (p.Gly772Arg).

Molecular Genetics laboratory, Necker Hospital
Classification: Likely pathogenic for Osteogenesis imperfecta type III. Review status: no assertion criteria provided. Collection method: clinical testing. Allele origin: unknown. Inheritance: Autosomal dominant inheritance. Affected: yes. Observed: 1 heterozygote. Not counted in ClinVar's aggregate classification.

Literature cited by the submitters: PubMed 27509835 (cited by Clinical Biomedical Laboratory, Shriners Hospital For Children - Canada); PubMed 9272740 (cited by Labcorp Genetics (formerly Invitae), Labcorp); PubMed 17078022 (cited by Labcorp Genetics (formerly Invitae), Labcorp); PubMed 23934635 (cited by Labcorp Genetics (formerly Invitae), Labcorp); PubMed 7695699 (cited by Labcorp Genetics (formerly Invitae), Labcorp); PubMed 8218237 (cited by Labcorp Genetics (formerly Invitae), Labcorp); PubMed 19344236 (cited by Labcorp Genetics (formerly Invitae), Labcorp); PubMed 9016532 (cited by Labcorp Genetics (formerly Invitae), Labcorp); PubMed 31794058 (cited by Labcorp Genetics (formerly Invitae), Labcorp).